The following is an entry in ClinVar:

ClinVar aggregate classification (germline): Uncertain significance (1 of 4 stars; one submission).

Conditions:
Dilated cardiomyopathy 1II (CMD1II). Identifiers: Orphanet 154, MedGen C3554649, MONDO:0014073, OMIM 615184.

gnomAD v4.1: 3 of 1,613,958 alleles (0.00019%); highest among the groups gnomAD compares: Non-Finnish European, 0.00025%; no homozygotes.

Submission:

Labcorp Genetics (formerly Invitae), Labcorp
Classification: Uncertain significance for Dilated cardiomyopathy 1II. Last evaluated: 2025-07-02. Review status: criteria provided, single submitter. Criteria: Invitae Variant Classification Sherloc (09022015). Collection method: clinical testing. Allele origin: germline.
Comment: This sequence change replaces phenylalanine, which is neutral and non-polar, with cysteine, which is neutral and slightly polar, at codon 118 of the CRYAB protein (p.Phe118Cys). This variant is not present in population databases (gnomAD no frequency). This variant has not been reported in the literature in individuals affected with CRYAB-related conditions. An algorithm developed to predict the effect of missense changes on protein structure and function (PolyPhen-2) suggests that this variant is likely to be disruptive. In summary, the available evidence is currently insufficient to determine the role of this variant in disease. Therefore, it has been classified as a Variant of Uncertain Significance.

NM_001289808.2(CRYAB):c.353T>G (p.Phe118Cys)

Gene: CRYAB (crystallin alpha B; minus strand). Cytogenetic location: 11q23.1.
Variant type: single nucleotide variant.
Coding change: c.353T>G on transcript NM_001289808.2 (MANE Select); coding-DNA position 353, T replaced by G.
Protein change: p.Phe118Cys; replaces phenylalanine 118 with cysteine.
Molecular consequence: missense variant.
Genome position (GRCh38, 1-based): chr11:111,908,939, A>C on the plus strand (T>G on the coding strand, the complement: CRYAB is on the minus strand). VCF-style: chr11-111908939-A-C. GRCh37 (hg19) VCF-style: chr11-111779663-A-C.
Other names: c.353T>G, p.Phe118Cys (NM_001289807.1, NM_001368245.1, NM_001885.3); c.152T>G, p.Phe51Cys (NM_001330379.1, NM_001368246.1); short protein forms F51C, F118C.
Identifiers: ClinVar variation 4753873 (VCV004753873.1).